The following is an entry in ClinVar:

NM_152419.3(HGSNAT):c.1726G>A (p.Gly576Arg)

Gene: HGSNAT (heparan-alpha-glucosaminide N-acetyltransferase; plus strand). Cytogenetic location: 8p11.21.
Variant type: single nucleotide variant.
Coding change: c.1726G>A on transcript NM_152419.3 (MANE Select); coding-DNA position 1726, G replaced by A.
Protein change: p.Gly576Arg; replaces glycine 576 with arginine.
Molecular consequence: missense variant.
Genome position (GRCh38, 1-based): chr8:43,197,952, G>A. VCF-style: chr8-43197952-G-A. GRCh37 (hg19) VCF-style: chr8-43053095-G-A.
Other names: c.1813G>A, p.Gly605Arg (NM_001363227.2); c.1534G>A, p.Gly512Arg (NM_001363228.2); c.862G>A, p.Gly288Arg (NM_001363229.2); short protein forms G288R, G605R, G576R, G512R.
Identifiers: ClinVar variation 1511181 (VCV001511181.9), dbSNP rs1366558211, ClinGen allele CA371120866.
Genomic context (GRCh38, chr8:43,197,952, plus strand): 5'-GTCCTGTACCCAGTTGTGGATGTGAAGGGGCTGTGGACAGGAACCCCATTCTTTTATCCA[G>A]GTAAGTCACCTCCAACCTCAAACAGAGCTGGGATGGTGACCAGGAGGCAGGCCCAGGGAC-3'
Protein context (NP_689632.2, residues 566-586): LWTGTPFFYP[Gly576Arg]MNSILVYVGH

ClinVar aggregate classification (germline): Uncertain significance. Review status: criteria provided, multiple submitters, no conflicts (2 of 4 stars). 2 submissions from 2 submitters: Uncertain significance (2). Last evaluated 2021-07-05.

Conditions:
Mucopolysaccharidosis, MPS-III-C (MPS3C). Also called: SANFILIPPO SYNDROME C; MPS III C; MPS IIIC (Sanfilippo Syndrome Type C); MUCOPOLYSACCHARIDOSIS, TYPE IIIC; Mucopolysaccharidosis type IIIC (Sanfilippo C); mucopolysaccharidosis type 3C. Identifiers: Orphanet 581, Orphanet 79271, MedGen C0086649, MONDO:0009657, OMIM 252930.
Retinitis pigmentosa 73 (RP73). Identifiers: Orphanet 791, MedGen C4225287, MONDO:0014687, OMIM 616544.

Submissions (2):

Blueprint Genetics
Classification: Uncertain significance. Last evaluated: 2021-07-05. Review status: criteria provided, single submitter. Criteria: ACMG Guidelines, 2015. Collection method: clinical testing. Allele origin: germline.

Labcorp Genetics (formerly Invitae), Labcorp
Classification: Uncertain significance for Retinitis pigmentosa 73; Mucopolysaccharidosis, MPS-III-C. Last evaluated: 2021-02-17. Review status: criteria provided, single submitter. Criteria: Invitae Variant Classification Sherloc (09022015). Collection method: clinical testing. Allele origin: germline.
Comment: In summary, the available evidence is currently insufficient to determine the role of this variant in disease. Therefore, it has been classified as a Variant of Uncertain Significance. Nucleotide substitutions within the consensus splice site are a relatively common cause of aberrant splicing (PMID: 17576681, 9536098). Algorithms developed to predict the effect of sequence changes on RNA splicing suggest that this variant may create or strengthen a splice site, but this prediction has not been confirmed by published transcriptional studies. Algorithms developed to predict the effect of missense changes on protein structure and function (SIFT, PolyPhen-2, Align-GVGD) all suggest that this variant is likely to be disruptive, but these predictions have not been confirmed by published functional studies and their clinical significance is uncertain. This variant has not been reported in the literature in individuals with HGSNAT-related conditions. This variant is not present in population databases (ExAC no frequency). This sequence change replaces glycine with arginine at codon 576 of the HGSNAT protein (p.Gly576Arg). The glycine residue is highly conserved and there is a moderate physicochemical difference between glycine and arginine. This variant also falls at the last nucleotide of exon 17, which is part of the consensus splice site for this exon.

Literature cited by the submitters: PubMed 17576681 (cited by Labcorp Genetics (formerly Invitae), Labcorp); PubMed 9536098 (cited by Labcorp Genetics (formerly Invitae), Labcorp).